The following is an entry in ClinVar:

ClinVar aggregate classification (germline): Likely benign (1 of 4 stars; one submission).

Conditions:
Alport syndrome. Also called: Hemorrhagic familial nephritis; Hemorrhagic hereditary nephritis; Congenital hereditary hematuria. Identifiers: Orphanet 63, MedGen C1567741, MONDO:0018965.

Allele frequency attached by ClinVar (database versions not stated): gnomAD 0.00448 and 0.00469; TOPMed 0.00495; 1000 Genomes Project 0.00499; 1000 Genomes Project 30x 0.00562.

Submission:

Illumina Laboratory Services, Illumina
Classification: Likely benign for Alport syndrome. Last evaluated: 2018-01-13. Review status: criteria provided, single submitter. Criteria: ICSL Variant Classification Criteria 13 December 2019. Collection method: clinical testing. Allele origin: germline.
Comment: This variant was observed in the ICSL laboratory as part of a predisposition screen in an ostensibly healthy population. It had not been previously curated by ICSL or reported in the Human Gene Mutation Database (HGMD: prior to June 1st, 2018), and was therefore a candidate for classification through an automated scoring system. Utilizing variant allele frequency, disease prevalence and penetrance estimates, and inheritance mode, an automated score was calculated to assess if this variant is too frequent to cause the disease. Based on the score and internal cut-off values, a variant classified as likely benign is not then subjected to further curation. The score for this variant resulted in a classification of likely benign for this disease.

NM_000092.5(COL4A4):c.*3636C>T

Gene: COL4A4 (collagen type IV alpha 4 chain; minus strand). Cytogenetic location: 2q36.3.
Variant type: single nucleotide variant.
Coding change: c.*3636C>T on transcript NM_000092.5 (MANE Select); 3636 bases downstream of the stop codon, C replaced by T.
Molecular consequence: 3 prime UTR variant.
Genome position (GRCh38, 1-based): chr2:227,003,689, G>A on the plus strand (C>T on the coding strand, the complement: COL4A4 is on the minus strand). VCF-style: chr2-227003689-G-A. GRCh37 (hg19) VCF-style: chr2-227868405-G-A.
Identifiers: ClinVar variation 334658 (VCV000334658.5), dbSNP rs147995299, ClinGen allele CA10614555.